The following is an entry in ClinVar:

ClinVar aggregate classification (germline): Conflicting classifications of pathogenicity. Review status: criteria provided, conflicting classifications (1 of 4 stars). 2 submissions from 2 submitters: Uncertain significance (1); Likely benign (1). Last evaluated 2026-01-26.

Conditions:
Bloom syndrome (BLM). Also called: Bloom-Torre-Machacek syndrome. Identifiers: Orphanet 125, MedGen C0005859, MONDO:0008876, OMIM 210900.

Allele frequency attached by ClinVar (database versions not stated): gnomAD exomes below 0.00001; TOPMed below 0.00001.
gnomAD v4.1: 2 of 1,589,810 alleles (0.00013%); highest among the groups gnomAD compares: Admixed American, 0.0017%; no homozygotes.

Submissions (2):

Labcorp Genetics (formerly Invitae), Labcorp
Classification: Likely benign for Bloom syndrome. Last evaluated: 2026-01-26. Review status: criteria provided, single submitter. Criteria: Invitae Variant Classification Sherloc (09022015). Collection method: clinical testing. Allele origin: germline.

Quest Diagnostics Nichols Institute San Juan Capistrano
Classification: Uncertain significance. Last evaluated: 2023-12-12. Review status: criteria provided, single submitter. Criteria: Quest Diagnostics criteria. Collection method: clinical testing. Allele origin: unknown.
Comment: The BLM c.3020-7C>G variant has not been reported in individuals with BLM-related conditions in the published literature. It also has not been reported in large, multi-ethnic general populations (Genome Aggregation Database). Analysis of this variant using software algorithms for the prediction of the effect of nucleotide changes on BLM mRNA splicing yielded inconclusive findings. Based on the available information, we are unable to determine the clinical significance of this variant.

NM_000057.4(BLM):c.3020-7C>G

Gene: BLM (BLM RecQ like helicase; plus strand). Cytogenetic location: 15q26.1.
Variant type: single nucleotide variant.
Coding change: c.3020-7C>G on transcript NM_000057.4 (MANE Select); 7 bases into the intron before coding-DNA position 3020, C replaced by G.
Molecular consequence: intron variant.
Genome position (GRCh38, 1-based): chr15:90,794,160, C>G. VCF-style: chr15-90794160-C-G. GRCh37 (hg19) VCF-style: chr15-91337390-C-G.
Other names: c.3020-7C>G (NM_001287246.2, NM_001287247.2); c.1895-7C>G (NM_001287248.2).
Identifiers: ClinVar variation 702241 (VCV000702241.9), dbSNP rs1596259789, ClinGen allele CA915946136.
Genomic context (GRCh38, chr15:90,794,160, plus strand): 5'-ATATTTCTATGATATGCTCTATTTTTCCCCTATAAGTATGTCTTACTATAGTCTTCATCT[C>G]TTTTAGTGGAAAAAGATGGAAACCATCATACAAGAGAAACTCACTTCAATAATTTGTATA-3'